The following is an entry in ClinVar:

ClinVar aggregate classification (germline): Pathogenic. Review status: criteria provided, multiple submitters, no conflicts (2 of 4 stars). 3 submissions from 3 submitters: Pathogenic (3). Last evaluated 2023-09-10.

Conditions:
Hereditary cancer-predisposing syndrome. Also called: Hereditary neoplastic syndrome; Neoplastic Syndromes, Hereditary; Tumor predisposition; Hereditary Cancer Syndrome. Identifiers: Orphanet 140162, MedGen C0027672, MeSH D009386, MONDO:0015356.
Pheochromocytoma. Also called: MAX-Related Hereditary Paraganglioma-Pheochromocytoma Syndrome. Identifiers: Orphanet 29072, MedGen C0031511, MONDO:0008233, OMIM 171300, HP:0002666.
Carney-Stratakis syndrome. Also called: PARAGANGLIOMA AND GASTROINTESTINAL STROMAL TUMOR. Identifiers: Orphanet 97286, MedGen C1847319, MONDO:0011740, OMIM 606864.
Paragangliomas with sensorineural hearing loss. Identifiers: MedGen C1868633.
Cowden syndrome 3 (CWS3). Identifiers: Orphanet 201, MedGen CN166604, MONDO:0014045.

Allele frequency attached by ClinVar (database versions not stated): gnomAD exomes below 0.00001 and 0.00001; ExAC 0.00001.

Submissions (3):

Labcorp Genetics (formerly Invitae), Labcorp
Classification: Pathogenic for Carney-Stratakis syndrome; Paragangliomas with sensorineural hearing loss; Pheochromocytoma; Cowden syndrome 3. Last evaluated: 2023-09-10. Review status: criteria provided, single submitter. Criteria: Invitae Variant Classification Sherloc (09022015). Collection method: clinical testing. Allele origin: germline.
Comment: For these reasons, this variant has been classified as Pathogenic. ClinVar contains an entry for this variant (Variation ID: 422629). Disruption of the initiator codon has been observed in individuals with head and neck paragangliomas (HNPGLs) or non-HNPGLs (PMID: 11391796, 12782822, 17406045, 17576205, 21945342). This variant is present in population databases (rs104894307, gnomAD 0.002%). This sequence change affects the initiator methionine of the SDHD mRNA. The next in-frame methionine is located at codon 91.

Ambry Genetics
Classification: Pathogenic for Hereditary cancer-predisposing syndrome. Last evaluated: 2022-01-07. Review status: criteria provided, single submitter. Criteria: Ambry Variant Classification Scheme 2023. Collection method: clinical testing. Allele origin: germline.
Comment: The p.M1? pathogenic mutation (also known as c.1A>T) is located in coding exon 1 of the SDHD gene and results from a G to A substitution at nucleotide position 3. This alters the methionine residue at the initiation codon (ATG). This variant was identified in an individual with pheochromocytoma/paraganglioma from the TCGA cohort (Huang KL et al. Cell, 2018 04;173:355-370.e14). Different alterations disrupting this initiation codon (including c.3G>A, c.3G>C, and c.2T>A) have been observed in multiple individuals with pheochromocytomas and/or paragangliomas (Casc&oacute;n A et al. J. Clin. Endocrinol. Metab. 2009 May;94(5):1701-5; Ben Aim L et al. J. Med. Genet. 2019 Aug;56(8):513-520; Badenhop RF et al. Genes Chromosomes Cancer. 2001 Jul;31(3):255-63; Lee SC et al. Laryngoscope, 2003 Jun;113:1055-8; Ma RC et al. Hong Kong Med J, 2007 Apr;13:151-4; Zha Y et al. Laryngoscope. 2011 Aug;121(8); Wang CP et al. Oral Oncol. 2012 Feb;48(2):125-9; Neumayer C et al. Eur J Clin Invest 2007 Jul;37(7):544-51; Ambry internal data). In addition to the clinical data presented in the literature, sequence variations that modify the initiation codon are expected to result in either loss of translation initiation, N-terminal truncation, or cause a shift in the mRNA reading frame. Based on the supporting evidence, this alteration is interpreted as a disease-causing mutation.

GeneDx
Classification: Pathogenic. Last evaluated: 2019-08-05. Review status: criteria provided, single submitter. Criteria: GeneDx Variant Classification Process June 2021. Collection method: clinical testing. Allele origin: germline. Affected: yes.
Comment: Initiation codon variant in a gene for which loss-of-function is a known mechanism of disease; Not observed at a significant frequency in large population cohorts (Lek et al., 2016); This variant is associated with the following publications: (PMID: 19454582, 17576205, 22241717, 15066320, 21945342, 21792967, 29625052)

Literature cited by the submitters: PubMed 11391796 (cited by Labcorp Genetics (formerly Invitae), Labcorp); PubMed 12782822 (cited by Labcorp Genetics (formerly Invitae), Labcorp); PubMed 17406045 (cited by Labcorp Genetics (formerly Invitae), Labcorp and Ambry Genetics); PubMed 17576205 (cited by Labcorp Genetics (formerly Invitae), Labcorp and Ambry Genetics); PubMed 21945342 (cited by Labcorp Genetics (formerly Invitae), Labcorp and Ambry Genetics); PubMed 19258401 (cited by Ambry Genetics); PubMed 21792967 (cited by Ambry Genetics); PubMed 29625052 (cited by Ambry Genetics); PubMed 30877234 (cited by Ambry Genetics).

NM_003002.4(SDHD):c.1A>T (p.Met1Leu)

Genes: SDHD (succinate dehydrogenase complex subunit D; plus strand), LOC126861339 (BRD4-independent group 4 enhancer GRCh37_chr11:111957035-111958234; plus strand). Cytogenetic location: 11q23.1.
Variant type: single nucleotide variant.
Coding change: c.1A>T on transcript NM_003002.4 (MANE Select); coding-DNA position 1, A replaced by T.
Protein change: p.Met1Leu; changes the start codon (methionine 1).
Molecular consequence: missense variant, initiator codon variant. On other transcripts: non-coding transcript variant (1).
Genome position (GRCh38, 1-based): chr11:112,086,908, A>T. VCF-style: chr11-112086908-A-T. GRCh37 (hg19) VCF-style: chr11-111957632-A-T.
Other names: c.1A>T, p.Met1Leu (NM_001276503.2, NM_001276504.2, NM_001276506.2); short protein forms M1L.
Identifiers: ClinVar variation 422629 (VCV000422629.14), dbSNP rs104894307, ClinGen allele CA070834.